The following is an entry in ClinVar:

NM_025114.4(CEP290):c.1670G>A (p.Arg557His)

Gene: CEP290 (centrosomal protein 290; minus strand). Cytogenetic location: 12q21.32.
Variant type: single nucleotide variant.
Coding change: c.1670G>A on transcript NM_025114.4 (MANE Select); coding-DNA position 1670, G replaced by A.
Protein change: p.Arg557His; replaces arginine 557 with histidine.
Molecular consequence: missense variant.
Genome position (GRCh38, 1-based): chr12:88,118,524, C>T on the plus strand (G>A on the coding strand, the complement: CEP290 is on the minus strand). VCF-style: chr12-88118524-C-T. GRCh37 (hg19) VCF-style: chr12-88512301-C-T.
Other names: short protein forms R557H.
Identifiers: ClinVar variation 418122 (VCV000418122.63), dbSNP rs184018899, ClinGen allele CA6712493.

ClinVar aggregate classification (germline): Conflicting classifications of pathogenicity. Review status: criteria provided, conflicting classifications (1 of 4 stars). 16 submissions from 12 submitters: Uncertain significance (12); Likely benign (3). 1 of the submissions does not count toward it. Last evaluated 2026-02-01.

Conditions:
CEP290-related disorder. Also called: CEP290-related disorders; CEP290-related condition. Identifiers: MedGen CN239314.
Leber congenital amaurosis 10 (LCA10). Identifiers: Orphanet 65, MedGen C1857821, MONDO:0012723, OMIM 611755.
Meckel syndrome, type 4 (MKS4). Also called: MECKEL-GRUBER SYNDROME, TYPE 4. Identifiers: Orphanet 564, MedGen C1970161, MONDO:0012626, OMIM 611134.
Joubert syndrome 5 (JBTS5). Identifiers: Orphanet 2318, MedGen C1857780, MONDO:0012432, OMIM 610188.
Senior-Loken syndrome 6 (SLSN6). Identifiers: Orphanet 3156, MedGen C1857779, MONDO:0012433, OMIM 610189.
Meckel-Gruber syndrome. Also called: DYSENCEPHALIA SPLANCHNOCYSTICA; GRUBER SYNDROME; Dysencephalia splachnocystica. Identifiers: Orphanet 564, MedGen C0265215, MONDO:0018921.
Nephronophthisis. Also called: Juvenile Nephronophthisis. Identifiers: Orphanet 655, MedGen C0687120, MONDO:0019005, HP:0000090.
Joubert syndrome. Also called: JOUBERT-BOLTSHAUSER SYNDROME; Familial aplasia of the vermis. Identifiers: Orphanet 475, MedGen C5979921, MONDO:0018772.
Bardet-Biedl syndrome 14 (BBS14). Identifiers: Orphanet 110, MedGen C2673874, MONDO:0014442, OMIM 615991.
Retinal dystrophy. Also called: Inherited retinal dystrophy. Identifiers: Orphanet 71862, MedGen C0854723, MeSH D058499, MONDO:0019118, HP:0000556.
Leber congenital amaurosis (LCA). Also called: Leber's amaurosis. Identifiers: Orphanet 65, MedGen C0339527, MeSH D057130, MONDO:0018998.

Allele frequency attached by ClinVar (database versions not stated): gnomAD exomes 0.00046 and 0.00069; gnomAD 0.00050 and 0.00064; ESP Exome Variant Server 0.00051; 1000 Genomes Project 0.00060; ExAC 0.00064; TOPMed 0.00068; 1000 Genomes Project 30x 0.00078.
gnomAD v4.1: 1,091 of 1,573,566 alleles (0.069%); highest among the groups gnomAD compares: Non-Finnish European, 0.08%; 2 homozygotes.

Submissions (16):

CeGaT Center for Human Genetics Tuebingen
Classification: Likely benign. Last evaluated: 2026-02-01. Review status: criteria provided, single submitter. Criteria: CeGaT Center For Human Genetics Tuebingen Variant Classification Criteria Version 2. Collection method: clinical testing. Allele origin: germline. Affected: yes. Observed: 5 variant alleles.
Comment: CEP290: PM2, BP4, BS2

PreventionGenetics, part of Exact Sciences
Classification: Likely benign for CEP290-related condition. Last evaluated: 2025-01-15. Review status: criteria provided, single submitter. Criteria: ACMG Guidelines, 2015. Collection method: clinical testing. Allele origin: germline.
Comment: This variant is classified as likely benign based on ACMG/AMP sequence variant interpretation guidelines (Richards et al. 2015 PMID: 25741868, with internal and published modifications).

Labcorp Genetics (formerly Invitae), Labcorp
Classification: Uncertain significance for Joubert syndrome; Meckel-Gruber syndrome; Nephronophthisis. Last evaluated: 2025-01-13. Review status: criteria provided, single submitter. Criteria: Invitae Variant Classification Sherloc (09022015). Collection method: clinical testing. Allele origin: germline.
Comment: This sequence change replaces arginine, which is basic and polar, with histidine, which is basic and polar, at codon 557 of the CEP290 protein (p.Arg557His). This variant is present in population databases (rs184018899, gnomAD 0.07%). This missense change has been observed in individual(s) with retinitis pigmentosa (PMID: 32579692). ClinVar contains an entry for this variant (Variation ID: 418122). Invitae Evidence Modeling of protein sequence and biophysical properties (such as structural, functional, and spatial information, amino acid conservation, physicochemical variation, residue mobility, and thermodynamic stability) indicates that this missense variant is expected to disrupt CEP290 protein function with a positive predictive value of 80%. In summary, the available evidence is currently insufficient to determine the role of this variant in disease. Therefore, it has been classified as a Variant of Uncertain Significance.

Blueprint Genetics
Classification: Likely benign. Last evaluated: 2024-11-27. Review status: criteria provided, single submitter. Criteria: ACMG Guidelines, 2015. Collection method: clinical testing. Allele origin: germline.

Revvity Omics, Revvity
Classification: Uncertain significance. Last evaluated: 2023-04-26. Review status: criteria provided, single submitter. Criteria: ACMG Guidelines, 2015. Collection method: clinical testing. Allele origin: germline.

New York Genome Center
Classification: Uncertain significance for Leber congenital amaurosis 10; Senior-Loken syndrome 6; Meckel syndrome, type 4; Joubert syndrome 5. Last evaluated: 2022-04-14. Review status: criteria provided, single submitter. Criteria: NYGC Assertion Criteria 2020. Collection method: clinical testing. Allele origin: germline. Observed: 1 heterozygote.

Institute of Human Genetics, Univ. Regensburg, Univ. Regensburg
Classification: Uncertain significance for Retinal dystrophy. Last evaluated: 2022-01-01. Review status: criteria provided, single submitter. Criteria: ACMG Guidelines, 2015. Collection method: clinical testing. Allele origin: germline. Affected: yes.

Fulgent Genetics
Classification: Uncertain significance for Joubert syndrome 5; Senior-Loken syndrome 6; Meckel syndrome, type 4; Leber congenital amaurosis 10; Bardet-Biedl syndrome 14. Last evaluated: 2018-10-31. Review status: criteria provided, single submitter. Criteria: ACMG Guidelines, 2015. Collection method: clinical testing. Allele origin: unknown.

Illumina Laboratory Services, Illumina
Classification: Uncertain significance for Leber congenital amaurosis 10. Last evaluated: 2018-01-13. Review status: criteria provided, single submitter. Criteria: ICSL Variant Classification Criteria 13 December 2019. Collection method: clinical testing. Allele origin: germline.

Illumina Laboratory Services, Illumina
Classification: Uncertain significance for Meckel syndrome, type 4. Last evaluated: 2018-01-13. Review status: criteria provided, single submitter. Criteria: ICSL Variant Classification Criteria 13 December 2019. Collection method: clinical testing. Allele origin: germline.

Illumina Laboratory Services, Illumina
Classification: Uncertain significance for Bardet-Biedl syndrome 14. Last evaluated: 2018-01-13. Review status: criteria provided, single submitter. Criteria: ICSL Variant Classification Criteria 13 December 2019. Collection method: clinical testing. Allele origin: germline.

Illumina Laboratory Services, Illumina
Classification: Uncertain significance for Joubert syndrome 5. Last evaluated: 2018-01-13. Review status: criteria provided, single submitter. Criteria: ICSL Variant Classification Criteria 13 December 2019. Collection method: clinical testing. Allele origin: germline.

Illumina Laboratory Services, Illumina
Classification: Uncertain significance for Senior-Loken syndrome 6. Last evaluated: 2018-01-13. Review status: criteria provided, single submitter. Criteria: ICSL Variant Classification Criteria 13 December 2019. Collection method: clinical testing. Allele origin: germline.

Eurofins Ntd Llc (ga)
Classification: Uncertain significance. Last evaluated: 2017-05-02. Review status: criteria provided, single submitter. Criteria: EGL Classification Definitions 2015. Collection method: clinical testing. Allele origin: germline. Observed: 1 variant allele, 1 heterozygote.

GeneDx
Classification: Uncertain significance. Last evaluated: 2016-04-04. Review status: criteria provided, single submitter. Criteria: GeneDx Variant Classification (06012015). Collection method: clinical testing. Allele origin: germline. Affected: yes.
Comment: The R557H variant in the CEP290 gene has not been reported previously as a pathogenic variant, nor as a benign variant, to our knowledge. The R557H variant was not observed at any significant frequency in approximately 5,800 individuals of European and African American ancestry in the NHLBI Exome Sequencing Project, indicating it is not a common benign variant in these populations. The R557H variant is a conservative amino acid substitution, which occurs at a position that is conserved across species. In silico analysis is inconsistent in its predictions as to whether or not the variant is damaging to the protein structure/function. We interpret R557H as a variant of uncertain significance.

Natera, Inc.
Classification: Uncertain significance for Leber congenital amaurosis. Last evaluated: 2020-04-17. Review status: no assertion criteria provided. Collection method: clinical testing. Allele origin: germline. Not counted in ClinVar's aggregate classification.

Literature cited by the submitters: PubMed 32579692 (cited by Labcorp Genetics (formerly Invitae), Labcorp and Institute of Human Genetics, Univ. Regensburg, Univ. Regensburg).